The following is an entry in ClinVar:

ClinVar aggregate classification (germline): Uncertain significance (1 of 4 stars; one submission).

Conditions:
Familial hemiplegic migraine. Identifiers: MedGen C0338484, MONDO:0000700.

Submission:

Labcorp Genetics (formerly Invitae), Labcorp
Classification: Uncertain significance for Familial hemiplegic migraine. Last evaluated: 2024-06-04. Review status: criteria provided, single submitter. Criteria: Invitae Variant Classification Sherloc (09022015). Collection method: clinical testing. Allele origin: germline.
Comment: This sequence change replaces phenylalanine, which is neutral and non-polar, with leucine, which is neutral and non-polar, at codon 864 of the ATP1A2 protein (p.Phe864Leu). This variant is not present in population databases (gnomAD no frequency). This variant has not been reported in the literature in individuals affected with ATP1A2-related conditions. Advanced modeling of protein sequence and biophysical properties (such as structural, functional, and spatial information, amino acid conservation, physicochemical variation, residue mobility, and thermodynamic stability) performed at Invitae indicates that this missense variant is not expected to disrupt ATP1A2 protein function with a negative predictive value of 80%. In summary, the available evidence is currently insufficient to determine the role of this variant in disease. Therefore, it has been classified as a Variant of Uncertain Significance.

NM_000702.4(ATP1A2):c.2590T>C (p.Phe864Leu)

Gene: ATP1A2 (ATPase Na+/K+ transporting subunit alpha 2; plus strand). Cytogenetic location: 1q23.2.
Variant type: single nucleotide variant.
Coding change: c.2590T>C on transcript NM_000702.4 (MANE Select); coding-DNA position 2590, T replaced by C.
Protein change: p.Phe864Leu; replaces phenylalanine 864 with leucine.
Molecular consequence: missense variant.
Genome position (GRCh38, 1-based): chr1:160,136,596, T>C. VCF-style: chr1-160136596-T-C. GRCh37 (hg19) VCF-style: chr1-160106386-T-C.
Other names: short protein forms F864L.
Identifiers: ClinVar variation 3655535 (VCV003655535.2).